The following is an entry in ClinVar:

ClinVar aggregate classification (germline): Uncertain significance (1 of 4 stars; one submission).

Submission:

Labcorp Genetics (formerly Invitae), Labcorp
Classification: Uncertain significance. Last evaluated: 2025-03-03. Review status: criteria provided, single submitter. Criteria: Invitae Variant Classification Sherloc (09022015). Collection method: clinical testing. Allele origin: germline.
Comment: This sequence change replaces tyrosine, which is neutral and polar, with serine, which is neutral and polar, at codon 417 of the RECQL protein (p.Tyr417Ser). This variant is not present in population databases (gnomAD no frequency). This variant has not been reported in the literature in individuals affected with RECQL-related conditions. Invitae Evidence Modeling of protein sequence and biophysical properties (such as structural, functional, and spatial information, amino acid conservation, physicochemical variation, residue mobility, and thermodynamic stability) indicates that this missense variant is expected to disrupt RECQL protein function with a positive predictive value of 80%. In summary, the available evidence is currently insufficient to determine the role of this variant in disease. Therefore, it has been classified as a Variant of Uncertain Significance.

NM_002907.4(RECQL):c.1250A>C (p.Tyr417Ser)

Gene: RECQL (RecQ like helicase; minus strand). Cytogenetic location: 12p12.1.
Variant type: single nucleotide variant.
Coding change: c.1250A>C on transcript NM_002907.4 (MANE Select); coding-DNA position 1250, A replaced by C.
Protein change: p.Tyr417Ser; replaces tyrosine 417 with serine.
Molecular consequence: missense variant.
Genome position (GRCh38, 1-based): chr12:21,474,946, T>G on the plus strand (A>C on the coding strand, the complement: RECQL is on the minus strand). VCF-style: chr12-21474946-T-G. GRCh37 (hg19) VCF-style: chr12-21627880-T-G.
Other names: c.1250A>C, p.Tyr417Ser (NM_032941.3); short protein forms Y417S.
Identifiers: ClinVar variation 4743918 (VCV004743918.1).